The following is an entry in ClinVar:

ClinVar aggregate classification (germline): Uncertain significance. Review status: criteria provided, multiple submitters, no conflicts (2 of 4 stars). 2 submissions from 2 submitters: Uncertain significance (2). Last evaluated 2024-05-02.

Allele frequency attached by ClinVar (database versions not stated): gnomAD 0.00001; gnomAD exomes 0.00001; TOPMed 0.00001; ExAC 0.00002.
gnomAD v4.1: 14 of 1,613,524 alleles (0.00087%); highest among the groups gnomAD compares: African/African-American, 0.0027%; no homozygotes.

Submissions (2):

Ambry Genetics
Classification: Uncertain significance. Last evaluated: 2024-05-02. Review status: criteria provided, single submitter. Criteria: Ambry Variant Classification Scheme 2023. Collection method: clinical testing. Allele origin: germline.

GeneDx
Classification: Uncertain significance. Last evaluated: 2020-02-19. Review status: criteria provided, single submitter. Criteria: GeneDx Variant Classification Process June 2021. Collection method: clinical testing. Allele origin: germline. Affected: yes.
Comment: In silico analysis, which includes protein predictors and evolutionary conservation, supports that this variant does not alter protein structure/function; Has not been previously published as pathogenic or benign to our knowledge

NM_001378974.1(FBXW11):c.1655G>A (p.Arg552His)

Gene: FBXW11 (F-box and WD repeat domain containing 11; minus strand). Cytogenetic location: 5q35.1.
Variant type: single nucleotide variant.
Coding change: c.1655G>A on transcript NM_001378974.1 (MANE Select); coding-DNA position 1655, G replaced by A.
Protein change: p.Arg552His; replaces arginine 552 with histidine.
Molecular consequence: missense variant.
Genome position (GRCh38, 1-based): chr5:171,868,672, C>T on the plus strand (G>A on the coding strand, the complement: FBXW11 is on the minus strand). VCF-style: chr5-171868672-C-T. GRCh37 (hg19) VCF-style: chr5-171295676-C-T.
Other names: c.1586G>A, p.Arg529His (NM_001378975.1); c.1559G>A, p.Arg520His (NM_001378976.1); c.1496G>A, p.Arg499His (NM_001378977.1, NM_001378978.1, NM_001378979.1); c.1490G>A, p.Arg497His (NM_001378980.1, NM_033645.3); c.1592G>A, p.Arg531His (NM_012300.3); c.1553G>A, p.Arg518His (NM_033644.3); short protein forms R497H, R499H, R518H, R520H, R529H, R531H, R552H.
Identifiers: ClinVar variation 1320840 (VCV001320840.3), dbSNP rs761604414, ClinGen allele CA3559157.